The following is an entry in ClinVar:

ClinVar aggregate classification (germline): Likely benign. Review status: criteria provided, multiple submitters, no conflicts (2 of 4 stars). 2 submissions from 2 submitters: Likely benign (2). Last evaluated 2025-08-21.

Allele frequency attached by ClinVar (database versions not stated): gnomAD 0.00002; TOPMed 0.00003; ExAC 0.00002.
gnomAD v4.1: 66 of 1,610,074 alleles (0.0041%); highest among the groups gnomAD compares: Non-Finnish European, 0.0052%; no homozygotes.

Submissions (2):

Labcorp Genetics (formerly Invitae), Labcorp
Classification: Likely benign. Last evaluated: 2025-08-21. Review status: criteria provided, single submitter. Criteria: Invitae Variant Classification Sherloc (09022015). Collection method: clinical testing. Allele origin: germline.

Women's Health and Genetics/Laboratory Corporation of America, LabCorp
Classification: Likely benign. Last evaluated: 2023-11-19. Review status: criteria provided, single submitter. Criteria: LabCorp Variant Classification Summary - May 2015. Collection method: clinical testing. Allele origin: germline.
Comment: Variant summary: FAT4 c.738C>T alters a conserved nucleotide resulting in a synonymous change. Consensus agreement among computation tools predict no significant impact on normal splicing. However, these predictions have yet to be confirmed by functional studies. The variant allele was found at a frequency of 2e-05 in 246690 control chromosomes. The available data on variant occurrences in the general population are insufficient to allow any conclusion about variant significance. To our knowledge, no occurrence of c.738C>T in individuals affected with FAT4-Related Disorders and no experimental evidence demonstrating its impact on protein function have been reported. No submitters have cited clinical-significance assessments for this variant to ClinVar after 2014. Based on the evidence outlined above, the variant was classified as likely benign.

NM_001291303.3(FAT4):c.738C>T (p.Asn246=)

Gene: FAT4 (FAT atypical cadherin 4; plus strand). Cytogenetic location: 4q28.1.
Variant type: single nucleotide variant.
Coding change: c.738C>T on transcript NM_001291303.3 (MANE Select); coding-DNA position 738, C replaced by T.
Protein change: p.Asn246=; no amino-acid change (asparagine 246 retained).
Molecular consequence: synonymous variant.
Genome position (GRCh38, 1-based): chr4:125,317,149, C>T. VCF-style: chr4-125317149-C-T. GRCh37 (hg19) VCF-style: chr4-126238304-C-T.
Other names: c.738C>T, p.Asn246= (NM_001291285.3, NM_024582.6).
Identifiers: ClinVar variation 2682625 (VCV002682625.4), dbSNP rs777290605, ClinGen allele CA3071851.